The following is an entry in ClinVar:

NM_004006.3(DMD):c.9876_9897dup (p.Arg3300fs)

Gene: DMD (dystrophin; minus strand). Cytogenetic location: Xp21.2.
Variant type: Duplication.
Coding change: c.9876_9897dup on transcript NM_004006.3 (MANE Select); coding-DNA positions 9876 to 9897, 22 bases duplicated (GGTGTGGCTGCCCGTCCTGCAC).
Protein change: p.Arg3300fs; shifts the reading frame from arginine 3300.
Molecular consequence: frameshift variant.
Genome position (GRCh38, 1-based): chrX:31,182,815-31,182,836, GTGCAGGACGGGCAGCCACACC duplicated on the plus strand (GGTGTGGCTGCCCGTCCTGCAC on the coding strand, the reverse complement: DMD is on the minus strand). VCF-style (leftmost placement, unchanged base first): chrX-31182814-T-TGTGCAGGACGGGCAGCCACACC. GRCh37 (hg19) VCF-style: chrX-31200931-T-TGTGCAGGACGGGCAGCCACACC.
Other names: c.9852_9873dup, p.Arg3292fs (NM_000109.4); c.9864_9885dup, p.Arg3296fs (NM_004009.3); c.9507_9528dup, p.Arg3177fs (NM_004010.3); c.5853_5874dup, p.Arg1959fs (NM_004011.4); c.5844_5865dup, p.Arg1956fs (NM_004012.4); c.2496_2517dup, p.Arg840fs (NM_004013.3, NM_004020.4, NM_004021.3 and 2 more transcripts); c.1689_1710dup, p.Arg571fs (NM_004014.3); c.672_693dup, p.Arg232fs (NM_004015.3, NM_004016.3, NM_004017.3 and 2 more transcripts); short protein forms R1956fs, R1959fs, R232fs, R3177fs, R3292fs, R3296fs, R3300fs, R571fs.
Identifiers: ClinVar variation 4815325 (VCV004815325.1).
Genomic context (GRCh38, chrX:31,182,814, plus strand): 5'-GACACTCTTTGCAGATGTTACATTTGGCCTGATGCTTGGCAGTTTCTGCAGCAGCCACTC[T>TGTGCAGGACGGGCAGCCACACC]GTGCAGGACGGGCAGCCACACCATGGACTGGGGTTCCAGTCTCATCCAGTCTAGGAAGAG-3'

ClinVar aggregate classification (germline): Likely pathogenic (1 of 4 stars; one submission).

Conditions:
Becker muscular dystrophy, Cardiomyopathy, Duchenne muscular dystrophy, Dystrophin deficiency.

Submission:

Natera, Inc.
Classification: Likely pathogenic for Becker muscular dystrophy, Cardiomyopathy, Duchenne muscular dystrophy, Dystrophin deficiency. Last evaluated: 2025-08-10. Review status: criteria provided, single submitter. Criteria: Natera Variant Classification Schema (03/2026). Collection method: clinical testing. Allele origin: germline.
Comment: The c.9876_9897dup variant in DMD is a frameshift variant predicted to shift the reading frame beginning at codon 3300 and leads to a stop codon 22 codons downstream. This variant is expected to result in nonsense mediated decay, truncation, or a dysfunctional protein product. This variant is rare in the general population with a frequency below the threshold expected for the associated phenotype(s). Given the available evidence, this variant is classified as Likely Pathogenic.